The following is an entry in ClinVar:

ClinVar aggregate classification (germline): Uncertain significance (1 of 4 stars; one submission).

Conditions:
Atrioventricular septal defect 4 (AVSD4). Identifiers: MedGen C3280781, MONDO:0013747, OMIM 614430.

Submission:

Labcorp Genetics (formerly Invitae), Labcorp
Classification: Uncertain significance for Atrioventricular septal defect 4. Last evaluated: 2024-05-22. Review status: criteria provided, single submitter. Criteria: Invitae Variant Classification Sherloc (09022015). Collection method: clinical testing. Allele origin: germline.
Comment: This sequence change replaces serine, which is neutral and polar, with isoleucine, which is neutral and non-polar, at codon 186 of the GATA4 protein (p.Ser186Ile). This variant is not present in population databases (gnomAD no frequency). This variant has not been reported in the literature in individuals affected with GATA4-related conditions. Advanced modeling of protein sequence and biophysical properties (such as structural, functional, and spatial information, amino acid conservation, physicochemical variation, residue mobility, and thermodynamic stability) performed at Invitae indicates that this missense variant is expected to disrupt GATA4 protein function with a positive predictive value of 80%. In summary, the available evidence is currently insufficient to determine the role of this variant in disease. Therefore, it has been classified as a Variant of Uncertain Significance.

NM_001308093.3(GATA4):c.557G>T (p.Ser186Ile)

Gene: GATA4 (GATA binding protein 4). Cytogenetic location: 8p23.1.
Variant type: single nucleotide variant.
Coding change: c.557G>T on transcript NM_001308093.3 (MANE Select); coding-DNA position 557, G replaced by T.
Protein change: p.Ser186Ile; replaces serine 186 with isoleucine.
Molecular consequence: missense variant. On other transcripts: intron variant (3).
Genome position (GRCh38, 1-based): chr8:11,708,869, G>T. VCF-style: chr8-11708869-G-T. GRCh37 (hg19) VCF-style: chr8-11566378-G-T.
Other names: c.557G>T, p.Ser186Ile (NM_002052.5); c.-6+8091G>T (NM_001308094.2); c.-3+855G>T (NM_001374274.1); c.-3+4565G>T (NM_001374273.1); short protein forms S186I.
Identifiers: ClinVar variation 3691457 (VCV003691457.2).
Genomic context (GRCh38, chr8:11,708,869, plus strand): 5'-TGGCCGACGTGGGCGCGTCCTGGGCCGCAGCCGCCGCCGCCTCCGCCGGCCCCTTCGACA[G>T]CCCGGTCCTGCACAGCCTGCCCGGCCGGGCCAACCCGGCCGCCCGACACCCCAATCTCGG-3'
Protein context (NP_001295022.1, residues 176-196): AAAASAGPFD[Ser186Ile]PVLHSLPGRA